The following is an entry in ClinVar:

ClinVar aggregate classification (germline): Uncertain significance (1 of 4 stars; one submission).

Submission:

Labcorp Genetics (formerly Invitae), Labcorp
Classification: Uncertain significance. Last evaluated: 2022-09-01. Review status: criteria provided, single submitter. Criteria: Invitae Variant Classification Sherloc (09022015). Collection method: clinical testing. Allele origin: germline.
Comment: ClinVar contains an entry for this variant (Variation ID: 1007492). This variant has not been reported in the literature in individuals affected with CTNNA1-related conditions. This variant is not present in population databases (gnomAD no frequency). This sequence change replaces glutamic acid, which is acidic and polar, with aspartic acid, which is acidic and polar, at codon 725 of the CTNNA1 protein (p.Glu725Asp). Algorithms developed to predict the effect of missense changes on protein structure and function are either unavailable or do not agree on the potential impact of this missense change (SIFT: "Deleterious"; PolyPhen-2: "Benign"; Align-GVGD: "Class C0"). In summary, the available evidence is currently insufficient to determine the role of this variant in disease. Therefore, it has been classified as a Variant of Uncertain Significance.

NM_001903.5(CTNNA1):c.2175G>C (p.Glu725Asp)

Gene: CTNNA1 (catenin alpha 1; plus strand). Cytogenetic location: 5q31.2.
Variant type: single nucleotide variant.
Coding change: c.2175G>C on transcript NM_001903.5 (MANE Select); coding-DNA position 2175, G replaced by C.
Protein change: p.Glu725Asp; replaces glutamic acid 725 with aspartic acid.
Molecular consequence: missense variant.
Genome position (GRCh38, 1-based): chr5:138,930,637, G>C. VCF-style: chr5-138930637-G-C. GRCh37 (hg19) VCF-style: chr5-138266326-G-C.
Other names: c.2175G>C, p.Glu725Asp (NM_001290307.3, NM_001323982.2, NM_001323983.1 and 2 more transcripts); c.1866G>C, p.Glu622Asp (NM_001290309.3); c.1806G>C, p.Glu602Asp (NM_001290310.3); c.1065G>C, p.Glu355Asp (NM_001290312.1, NM_001323987.1, NM_001323988.1 and 17 more transcripts); c.2082G>C, p.Glu694Asp (NM_001323986.2); c.726G>C, p.Glu242Asp (NM_001324006.1, NM_001324007.1, NM_001324008.1 and 2 more transcripts); c.972G>C, p.Glu324Asp (NM_001324011.1); c.822G>C, p.Glu274Asp (NM_001324012.1, NM_001324013.1); short protein forms E242D, E274D, E324D, E355D, E602D, E622D, E694D, E725D.
Identifiers: ClinVar variation 1007492 (VCV001007492.10), dbSNP rs1765095728, ClinGen allele CA361133690.
Genomic context (GRCh38, chr5:138,930,637, plus strand): 5'-GGACGACAGTGGCAATGACATCATTGTGCTGGCCAAGCAGATGTGCATGATTATGATGGA[G>C]ATGACAGACTTTACCCGGTGAGCAGCACCCCGGCCCCACCAGGCTGCACAGGGGCTACTT-3'
Protein context (NP_001894.2, residues 715-735): LAKQMCMIMM[Glu725Asp]MTDFTRGKGP